The following is an entry in ClinVar:

NM_001844.5(COL2A1):c.924+2T>G

Gene: COL2A1 (collagen type II alpha 1 chain; minus strand). Cytogenetic location: 12q13.11.
Variant type: single nucleotide variant.
Coding change: c.924+2T>G on transcript NM_001844.5 (MANE Select); the canonical splice donor site of the intron after coding-DNA position 924, T replaced by G.
Molecular consequence: splice donor variant.
Genome position (GRCh38, 1-based): chr12:47,993,807, A>C on the plus strand (T>G on the coding strand, the complement: COL2A1 is on the minus strand). VCF-style: chr12-47993807-A-C. GRCh37 (hg19) VCF-style: chr12-48387590-A-C.
Other names: c.717+2T>G (NM_033150.3).
Identifiers: ClinVar variation 2023725 (VCV002023725.4), dbSNP rs1000466404, ClinGen allele CA236490662.

ClinVar aggregate classification (germline): Likely pathogenic (1 of 4 stars; one submission).

Submission:

Labcorp Genetics (formerly Invitae), Labcorp
Classification: Likely pathogenic. Last evaluated: 2022-08-27. Review status: criteria provided, single submitter. Criteria: Invitae Variant Classification Sherloc (09022015). Collection method: clinical testing. Allele origin: germline.
Comment: This sequence change affects a donor splice site in intron 14 of the COL2A1 gene. It is expected to disrupt RNA splicing. Variants that disrupt the donor or acceptor splice site typically lead to a loss of protein function (PMID: 16199547), and loss-of-function variants in COL2A1 are known to be pathogenic (PMID: 20179744). In summary, the currently available evidence indicates that the variant is pathogenic, but additional data are needed to prove that conclusively. Therefore, this variant has been classified as Likely Pathogenic. Algorithms developed to predict the effect of sequence changes on RNA splicing suggest that this variant may disrupt the consensus splice site. This variant has not been reported in the literature in individuals affected with COL2A1-related conditions. This variant is not present in population databases (gnomAD no frequency).

Literature cited by the submitters: PubMed 16199547; PubMed 20179744.